The following is an entry in ClinVar:

ClinVar aggregate classification (germline): Conflicting classifications of pathogenicity. Review status: criteria provided, conflicting classifications (1 of 4 stars). 2 submissions from 1 submitter: Uncertain significance (1); Benign (1). Last evaluated 2018-01-13.

Conditions:
Familial visceral amyloidosis, Ostertag type (AMYLD2). Also called: AMYLOIDOSIS VIII; Amyloidosis, hepatic and systemic; Familial visceral amyloidosis; AMYLOIDOSIS, HEREDITARY SYSTEMIC 2; Hereditary Renal Amyloidosis; Ostertag type amyloidosis. Identifiers: Orphanet 85450, MedGen C0268389, MONDO:0007099, OMIM 105200.
Congenital afibrinogenemia. Identifiers: Orphanet 335, Orphanet 98880, MedGen C2584774, MONDO:0008737, OMIM 202400.

Allele frequency attached by ClinVar (database versions not stated): gnomAD exomes below 0.00001 and 0.00001; ExAC 0.00002; TOPMed 0.00002.
gnomAD v4.1: 6 of 1,610,812 alleles (0.00037%); highest among the groups gnomAD compares: East Asian, 0.011%; no homozygotes.

Submissions (2):

Illumina Laboratory Services, Illumina
Classification: Benign for Familial visceral amyloidosis, Ostertag type. Last evaluated: 2018-01-13. Review status: criteria provided, single submitter. Criteria: ICSL Variant Classification Criteria 13 December 2019. Collection method: clinical testing. Allele origin: germline.
Comment: This variant was observed in the ICSL laboratory as part of a predisposition screen in an ostensibly healthy population. It had not been previously curated by ICSL or reported in the Human Gene Mutation Database (HGMD: prior to June 1st, 2018), and was therefore a candidate for classification through an automated scoring system. Utilizing variant allele frequency, disease prevalence and penetrance estimates, and inheritance mode, an automated score was calculated to assess if this variant is too frequent to cause the disease. Based on the score and internal cut-off values, a variant classified as benign is not then subjected to further curation. The score for this variant resulted in a classification of benign for this disease.

Illumina Laboratory Services, Illumina
Classification: Uncertain significance for Congenital afibrinogenemia. Last evaluated: 2018-01-13. Review status: criteria provided, single submitter. Criteria: ICSL Variant Classification Criteria 13 December 2019. Collection method: clinical testing. Allele origin: germline.

NM_021871.4(FGA):c.1912G>A (p.Gly638Arg)

Gene: FGA (fibrinogen alpha chain; minus strand). Cytogenetic location: 4q31.3.
Variant type: single nucleotide variant.
Coding change: c.1912G>A on transcript NM_021871.4 (MANE Select); coding-DNA position 1912, G replaced by A.
Protein change: p.Gly638Arg; replaces glycine 638 with arginine.
Molecular consequence: missense variant. On other transcripts: intron variant (1).
Genome position (GRCh38, 1-based): chr4:154,585,517, C>T on the plus strand (G>A on the coding strand, the complement: FGA is on the minus strand). VCF-style: chr4-154585517-C-T. GRCh37 (hg19) VCF-style: chr4-155506669-C-T.
Other names: c.1891+21G>A (NM_000508.5); short protein forms G638R.
Identifiers: ClinVar variation 902974 (VCV000902974.4), dbSNP rs771429165, ClinGen allele CA3115009.